The following is an entry in ClinVar:

ClinVar aggregate classification (germline): Uncertain significance. Review status: criteria provided, multiple submitters, no conflicts (2 of 4 stars). 2 submissions from 2 submitters: Uncertain significance (2). Last evaluated 2019-08-13.

Conditions:
Immunodeficiency due to ficolin3 deficiency. Also called: LECTIN COMPLEMENT ACTIVATION PATHWAY, DEFECT IN, 3; FICOLIN 3 DEFICIENCY; FCN3 DEFICIENCY. Identifiers: Orphanet 331190, MedGen C3151226, MONDO:0013467, OMIM 613860.

Allele frequency attached by ClinVar (database versions not stated): gnomAD 0.00001 and 0.00002; TOPMed 0.00002; ExAC 0.00005; gnomAD exomes 0.00005 and 0.00007.
gnomAD v4.1: 113 of 1,614,096 alleles (0.007%); highest among the groups gnomAD compares: Middle Eastern, 0.33%; no homozygotes.

Submissions (2):

Baylor Genetics
Classification: Uncertain significance for Immunodeficiency due to ficolin3 deficiency. Last evaluated: 2019-08-13. Review status: criteria provided, single submitter. Criteria: ACMG Guidelines, 2015. Collection method: clinical testing. Allele origin: unknown. Affected: yes.
Comment: This variant was determined to be of uncertain significance according to ACMG Guidelines, 2015 [PMID:25741868].

Breakthrough Genomics
Classification: Uncertain significance. Review status: criteria provided, single submitter. Criteria: ACMG Guidelines, 2015. Collection method: not provided. Allele origin: germline. Inheritance: Autosomal recessive inheritance. Affected: yes.

NM_003665.4(FCN3):c.620A>G (p.Tyr207Cys)

Gene: FCN3 (ficolin 3; minus strand). Cytogenetic location: 1p36.11.
Variant type: single nucleotide variant.
Coding change: c.620A>G on transcript NM_003665.4 (MANE Select); coding-DNA position 620, A replaced by G.
Protein change: p.Tyr207Cys; replaces tyrosine 207 with cysteine.
Molecular consequence: missense variant.
Genome position (GRCh38, 1-based): chr1:27,370,634, T>C on the plus strand (A>G on the coding strand, the complement: FCN3 is on the minus strand). VCF-style: chr1-27370634-T-C. GRCh37 (hg19) VCF-style: chr1-27697125-T-C.
Other names: c.587A>G, p.Tyr196Cys (NM_173452.3); short protein forms Y207C, Y196C.
Identifiers: ClinVar variation 1030693 (VCV001030693.3), dbSNP rs781053078, ClinGen allele CA714237.